The following is an entry in ClinVar:

ClinVar aggregate classification (germline): Uncertain significance (1 of 4 stars; one submission).

Conditions:
Ataxia-telangiectasia syndrome (AT). Also called: Cerebello-oculocutaneous telangiectasia; Immunodeficiency with ataxia telangiectasia; ATAXIA-TELANGIECTASIA, COMPLEMENTATION GROUP A; ATAXIA-TELANGIECTASIA, FRESNO VARIANT; LOUIS-BAR SYNDROME; Ataxia-telangiectasia, complementation group E. Identifiers: Orphanet 100, MedGen C0004135, MONDO:0008840, OMIM 208900.

Submission:

Labcorp Genetics (formerly Invitae), Labcorp
Classification: Uncertain significance for Ataxia-telangiectasia syndrome. Last evaluated: 2020-02-26. Review status: criteria provided, single submitter. Criteria: Invitae Variant Classification Sherloc (09022015). Collection method: clinical testing. Allele origin: germline.
Comment: This variant has not been reported in the literature in individuals with ATM-related conditions. This sequence change replaces leucine with phenylalanine at codon 1219 of the ATM protein (p.Leu1219Phe). The leucine residue is moderately conserved and there is a small physicochemical difference between leucine and phenylalanine. This variant is not present in population databases (ExAC no frequency). Algorithms developed to predict the effect of missense changes on protein structure and function (SIFT, PolyPhen-2, Align-GVGD) all suggest that this variant is likely to be tolerated, but these predictions have not been confirmed by published functional studies and their clinical significance is uncertain. In summary, the available evidence is currently insufficient to determine the role of this variant in disease. Therefore, it has been classified as a Variant of Uncertain Significance.

NM_000051.4(ATM):c.3657G>C (p.Leu1219Phe)

Gene: ATM (ATM serine/threonine kinase; plus strand). Cytogenetic location: 11q22.3.
Variant type: single nucleotide variant.
Coding change: c.3657G>C on transcript NM_000051.4 (MANE Select); coding-DNA position 3657, G replaced by C.
Protein change: p.Leu1219Phe; replaces leucine 1219 with phenylalanine.
Molecular consequence: missense variant.
Genome position (GRCh38, 1-based): chr11:108,282,790, G>C. VCF-style: chr11-108282790-G-C. GRCh37 (hg19) VCF-style: chr11-108153517-G-C.
Other names: c.3657G>C, p.Leu1219Phe (NM_001351834.2); short protein forms L1219F.
Identifiers: ClinVar variation 1011809 (VCV001011809.9), dbSNP rs901820882, ClinGen allele CA228366746.